The following is an entry in ClinVar:

NM_170707.4(LMNA):c.1488+5G>C

Gene: LMNA (lamin A/C; plus strand). Cytogenetic location: 1q22.
Variant type: single nucleotide variant.
Coding change: c.1488+5G>C on transcript NM_170707.4 (MANE Select); 5 bases into the intron after coding-DNA position 1488, G replaced by C.
Molecular consequence: intron variant.
Genome position (GRCh38, 1-based): chr1:156,137,033, G>C. VCF-style: chr1-156137033-G-C. GRCh37 (hg19) VCF-style: chr1-156106824-G-C.
Other names: IVS8, G-C, +5; c.1488+5G>C (NM_001282625.2, NM_001282626.2, NM_170708.4 and 1 more transcripts); c.1152+5G>C (NM_001257374.3); c.1245+5G>C (NM_001282624.2).
Identifiers: ClinVar variation 66833 (VCV000066833.9), dbSNP rs267607543, ClinGen allele CA017326.

ClinVar aggregate classification (germline): Conflicting classifications of pathogenicity. Review status: criteria provided, conflicting classifications (1 of 4 stars). 4 submissions from 4 submitters: Pathogenic (1); Uncertain significance (1). 2 of the submissions do not count toward it. Last evaluated 2023-12-28.

Conditions:
Charcot-Marie-Tooth disease type 2. Also called: Charcot-Marie-Tooth type 2. Identifiers: Orphanet 64746, MedGen C0270914, MONDO:0018993.
Familial partial lipodystrophy, Dunnigan type. Also called: Partial lipodystrophy, Dunnigan; LIPODYSTROPHY, FAMILIAL, OF LIMBS AND LOWER TRUNK; LIPODYSTROPHY, REVERSE PARTIAL. Identifiers: Orphanet 2348, MedGen C1720860, MONDO:0007906, OMIM 151660.

Submissions (4):

Labcorp Genetics (formerly Invitae), Labcorp
Classification: Uncertain significance for Charcot-Marie-Tooth disease type 2. Last evaluated: 2023-12-28. Review status: criteria provided, single submitter. Criteria: Invitae Variant Classification Sherloc (09022015). Collection method: clinical testing. Allele origin: germline.
Comment: This sequence change falls in intron 8 of the LMNA gene. It does not directly change the encoded amino acid sequence of the LMNA protein. RNA analysis indicates that this variant induces altered splicing and may result in an absent or disrupted protein product. However, the current clinical and genetic evidence is not sufficient to establish whether loss-of-function variants in LMNA cause disease. This variant is not present in population databases (gnomAD no frequency). This variant has been observed in individual(s) with partial lipodystrophy (PMID: 16636128, 31194872, 36397776). This variant is also known as IVS8+5G>C. ClinVar contains an entry for this variant (Variation ID: 66833). Algorithms developed to predict the effect of variants on protein structure and function are not available or were not evaluated for this variant. Experimental studies have shown that this variant affects LMNA function (PMID: 16636128). Variants that disrupt the consensus splice site are a relatively common cause of aberrant splicing (PMID: 17576681, 9536098). Studies have shown that this variant results in intronic inclusion and introduces a premature termination codon (PMID: 16636128). The resulting mRNA is expected to undergo nonsense-mediated decay. In summary, the available evidence is currently insufficient to determine the role of this variant in disease. Therefore, it has been classified as a Variant of Uncertain Significance.

Genetic Services Laboratory, University of Chicago
Classification: Pathogenic for Lipodystrophy, familial partial, 2. Last evaluated: 2016-10-03. Review status: criteria provided, single submitter. Criteria: ACMG Guidelines, 2015. Collection method: clinical testing. Allele origin: germline. Affected: yes.

OMIM
Classification: Pathogenic for LIPODYSTROPHY, FAMILIAL PARTIAL, TYPE 2. Last evaluated: 2006-07-01. Review status: no assertion criteria provided. Collection method: literature only. Allele origin: germline. Not counted in ClinVar's aggregate classification.

Epithelial Biology;  Institute of Medical Biology, Singapore
No classification provided. Review status: no classification provided. Collection method: not provided. Allele origin: not provided. Not counted in ClinVar's aggregate classification.

Literature cited by the submitters: PubMed 16636128 (cited by Labcorp Genetics (formerly Invitae), Labcorp and OMIM); PubMed 31194872 (cited by Labcorp Genetics (formerly Invitae), Labcorp); PubMed 36397776 (cited by Labcorp Genetics (formerly Invitae), Labcorp); PubMed 17576681 (cited by Labcorp Genetics (formerly Invitae), Labcorp); PubMed 9536098 (cited by Labcorp Genetics (formerly Invitae), Labcorp).